The following is an entry in ClinVar:

NC_000011.10:g.47342573C>T

Gene: MYBPC3 (myosin binding protein C3; minus strand). Cytogenetic location: 11p11.2.
Variant type: single nucleotide variant.
Genome position: GRCh38 VCF-style: chr11-47342573-C-T. GRCh37 (hg19) VCF-style: chr11-47364124-C-T.
Other names: c.1624+5G>A (LRG_386t1, NM_000256.3).
Identifiers: ClinVar variation 181120 (VCV000181120.11), dbSNP rs730880691, ClinGen allele CA010788.
Genomic context (GRCh38, chr11:47,342,573, plus strand): 5'-TAGGTGGGGTGGGGGCTGAGGGGTCCAAGCCCTAAAGCCTCATGTGCCCCCCCAGCCAGG[C>T]TCACCCTGCACAATGAGCTCAGCCAGCGCCTGGCCCCCGCTAGTGCACAGTGCATAGTGC-3'

ClinVar aggregate classification (germline): Conflicting classifications of pathogenicity. Review status: criteria provided, conflicting classifications (1 of 4 stars). 3 submissions from 3 submitters: Pathogenic (1); Uncertain significance (2). Last evaluated 2024-07-06.

Conditions:
Cardiovascular phenotype. Identifiers: MedGen CN230736.
Hypertrophic cardiomyopathy. Also called: HYPERTROPHIC MYOCARDIOPATHY. Identifiers: Orphanet 217569, MedGen C0007194, MeSH D002312, MONDO:0005045, HP:0001639.

Submissions (3):

Labcorp Genetics (formerly Invitae), Labcorp
Classification: Uncertain significance for Hypertrophic cardiomyopathy. Last evaluated: 2024-07-06. Review status: criteria provided, single submitter. Criteria: Invitae Variant Classification Sherloc (09022015). Collection method: clinical testing. Allele origin: germline.
Comment: This sequence change falls in intron 17 of the MYBPC3 gene. It does not directly change the encoded amino acid sequence of the MYBPC3 protein. It affects a nucleotide within the consensus splice site. This variant is not present in population databases (gnomAD no frequency). This variant has been observed in individual(s) with clinical features of hypertrophic cardiomyopathy (Invitae). ClinVar contains an entry for this variant (Variation ID: 181120). Variants that disrupt the consensus splice site are a relatively common cause of aberrant splicing (PMID: 17576681, 9536098). Algorithms developed to predict the effect of sequence changes on RNA splicing suggest that this variant may disrupt the consensus splice site. In summary, the available evidence is currently insufficient to determine the role of this variant in disease. Therefore, it has been classified as a Variant of Uncertain Significance.

Ambry Genetics
Classification: Uncertain significance for Cardiovascular phenotype. Last evaluated: 2020-12-11. Review status: criteria provided, single submitter. Criteria: Ambry Variant Classification Scheme 2023. Collection method: clinical testing. Allele origin: germline.
Comment: The c.1624+5G>A intronic variant results from a G to A substitution 5 nucleotides after coding exon 17 in the MYBPC3 gene. This nucleotide position is highly conserved in available vertebrate species. In silico splice site analysis predicts that this alteration may weaken the native splice donor site. Since supporting evidence is limited at this time, the clinical significance of this alteration remains unclear.

GeneDx
Classification: Pathogenic. Last evaluated: 2011-08-08. Review status: criteria provided, single submitter. Criteria: GeneDx Variant Classification (06012015). Collection method: clinical testing. Allele origin: germline. Affected: yes.
Comment: This mutation is denoted IVS17+5 G>A or c.1624+5 G>A at the cDNA level. Although the IVS17+5 G>A mutation has not been reported previously, to our knowledge, splice prediction algorithms predict that IVS17+5 G>A eliminates the splice donor site in intron 17 of the MYBPC3 gene (4,5). This mutation is predicted to lead to either an abnormal message, which is subject to nonsense-mediated mRNA decay, or to an abnormal protein product if the message is used for protein translation. In addition, IVS17+5 G>A was not detected in up to 400 alleles from control individuals of Caucasian and African American ancestry, indicating it is not a common benign variant. The variant is found in HCM panel(s).

Literature cited by the submitters: PubMed 17576681 (cited by Labcorp Genetics (formerly Invitae), Labcorp); PubMed 9536098 (cited by Labcorp Genetics (formerly Invitae), Labcorp).